The following is an entry in ClinVar:

ClinVar aggregate classification (germline): Benign (0 of 4 stars; one submission).

Conditions:
PPRC1-related disorder. Also called: PPRC1-related condition.

Allele frequency attached by ClinVar (database versions not stated): gnomAD 0.00064; TOPMed 0.00105; ExAC 0.00144; 1000 Genomes Project 0.00280; 1000 Genomes Project 30x 0.00312.
gnomAD v4.1: 837 of 1,614,148 alleles (0.052%); highest among the groups gnomAD compares: East Asian, 1.7%; 15 homozygotes.

Submission:

PreventionGenetics, part of Exact Sciences
Classification: Benign for PPRC1-related condition. Last evaluated: 2019-03-26. Review status: no assertion criteria provided. Collection method: clinical testing. Allele origin: germline.
Comment: This variant is classified as benign based on ACMG/AMP sequence variant interpretation guidelines (Richards et al. 2015 PMID: 25741868, with internal and published modifications).

NM_015062.5(PPRC1):c.4058C>T (p.Pro1353Leu)

Gene: PPRC1 (PPARG related coactivator 1; plus strand). Cytogenetic location: 10q24.32.
Variant type: single nucleotide variant.
Coding change: c.4058C>T on transcript NM_015062.5 (MANE Select); coding-DNA position 4058, C replaced by T.
Protein change: p.Pro1353Leu; replaces proline 1353 with leucine.
Molecular consequence: missense variant. On other transcripts: intron variant (1).
Genome position (GRCh38, 1-based): chr10:102,147,050, C>T. VCF-style: chr10-102147050-C-T. GRCh37 (hg19) VCF-style: chr10-103906807-C-T.
Other names: c.3698C>T, p.Pro1233Leu (NM_001288728.2); c.3609-1322C>T (NM_001288727.2); short protein forms P1233L, P1353L.
Identifiers: ClinVar variation 3037455 (VCV003037455.2), dbSNP rs17847388, ClinGen allele CA5661432.